The following is an entry in ClinVar:

NM_004484.4(GPC3):c.1515C>A (p.Cys505Ter)

Gene: GPC3 (glypican 3; minus strand). Cytogenetic location: Xq26.2.
Variant type: single nucleotide variant.
Coding change: c.1515C>A on transcript NM_004484.4 (MANE Select); coding-DNA position 1515, C replaced by A.
Protein change: p.Cys505Ter; replaces cysteine 505 with a stop codon.
Molecular consequence: nonsense.
Genome position (GRCh38, 1-based): chrX:133,596,498, G>T on the plus strand (C>A on the coding strand, the complement: GPC3 is on the minus strand). VCF-style: chrX-133596498-G-T. GRCh37 (hg19) VCF-style: chrX-132730526-G-T.
Other names: c.1584C>A, p.Cys528Ter (NM_001164617.2); c.1467C>A, p.Cys489Ter (NM_001164618.2); c.1353C>A, p.Cys451Ter (NM_001164619.2); short protein forms C451*, C489*, C505*, C528*.
Identifiers: ClinVar variation 3382828 (VCV003382828.2).

ClinVar aggregate classification (germline): Pathogenic (1 of 4 stars; one submission).

Conditions:
Simpson-Golabi-Behmel syndrome type 1 (SGBS1). Also called: GOLABI-ROSEN SYNDROME; BULLDOG SYNDROME; SIMPSON DYSMORPHIA SYNDROME; GPC3-Related Simpson-Golabi-Behmel Syndrome Type 1; DYSPLASIA GIGANTISM SYNDROME, X-LINKED. Identifiers: Orphanet 373, MedGen C0796154, MONDO:0020602, OMIM 312870.

Submission:

Juno Genomics, Hangzhou Juno Genomics, Inc
Classification: Pathogenic for Simpson-Golabi-Behmel syndrome type 1. Review status: criteria provided, single submitter. Criteria: ACMG Guidelines, 2015. Collection method: clinical testing. Allele origin: germline. Affected: yes.
Comment: Absent from controls (or at extremely low frequency if recessive) in Genome Aggregation Database, Exome Sequencing Project, 1000 Genomes Project, or Exome Aggregation Consortium.;Null variant in a gene where loss of function (LOF) is a known mechanism of disease.;Assumed de novo, but without confirmation of paternity and maternity.